The following is an entry in ClinVar:

ClinVar aggregate classification (germline): Uncertain significance (1 of 4 stars; one submission).

Conditions:
Lafora disease. Also called: Epilepsy progressive myoclonic 2. Identifiers: Orphanet 501, MedGen C0751783, MONDO:0009697.

gnomAD v4.1: 2 of 1,539,934 alleles (0.00013%); no homozygotes.

Submission:

Broad Center for Mendelian Genomics, Broad Institute of MIT and Harvard
Classification: Uncertain significance for Lafora disease. Last evaluated: 2025-01-07. Review status: criteria provided, single submitter. Criteria: ACMG Guidelines, 2015. Collection method: curation. Allele origin: germline. Inheritance: Autosomal recessive inheritance.
Comment: The p.Lys87Thr variant in EPM2A has been reported in 1 individual with Lafora Disease (PMID: 20738377), and has been identified in 0.008% (2/23954) of Ashkenazi Jewish chromosomes by the Genome Aggregation Database (gnomAD). Although this variant has been seen in the general population in a heterozygous state, its frequency is low enough to be consistent with a recessive carrier frequency. In vitro functional studies provide some evidence that the p.Lys87Thr variant may impact protein function (PMID: 34755096). However, these types of assays may not accurately represent biological function. Computational prediction tools and conservation analyses suggest that this variant may impact the protein, though this information is not predictive enough to determine pathogenicity. In summary, while there is some suspicion for a pathogenic role, the clinical significance of this variant is uncertain. ACMG/AMP Criteria applied: PP3_moderate, PS3_supporting, PM2_supporting (Richards 2015).

Literature cited by the submitters: PubMed 34755096.

NM_005670.4(EPM2A):c.260A>C (p.Lys87Thr)

Genes: EPM2A (EPM2A glucan phosphatase, laforin; minus strand), EPM2A-DT (EPM2A divergent transcript; plus strand), LOC129997381 (ATAC-STARR-seq lymphoblastoid silent region 17642; plus strand). Cytogenetic location: 6q24.3.
Variant type: single nucleotide variant.
Coding change: c.260A>C on transcript NM_005670.4 (MANE Select); coding-DNA position 260, A replaced by C.
Protein change: p.Lys87Thr; replaces lysine 87 with threonine.
Molecular consequence: missense variant. On other transcripts: 5 prime UTR variant (2), intron variant (2).
Genome position (GRCh38, 1-based): chr6:145,735,239, T>G on the plus strand (A>C on the coding strand, the complement: EPM2A is on the minus strand). VCF-style: chr6-145735239-T-G. GRCh37 (hg19) VCF-style: chr6-146056375-T-G.
Other names: NR_153398.2:n.116+669A>C; c.260A>C, p.Lys87Thr (NM_001018041.2, NM_001360057.2, NM_001368130.1); c.-410A>C (NM_001360071.2); c.-364A>C (NM_001368129.2); c.-114+669A>C (NM_001360064.2); c.-114+6A>C (NM_001368131.1); short protein forms K87T.
Identifiers: ClinVar variation 3776896 (VCV003776896.1).
Genomic context (GRCh38, chr6:145,735,239, plus strand): 5'-AGGCGTCTGCTGGCAATACCTTCCCAGGAGAGCTCTCCTCCCGGCTCCCGCTTCAGGAAC[T>G]TGTACCAGAACGTGTCCACGCGGCCCGGCTCCGCCCCGTCCTGCGCCGCCTCCTCGGCCG-3'
Protein context (NP_005661.1, residues 77-97): EPGRVDTFWY[Lys87Thr]FLKREPGGEL